The following is an entry in ClinVar:

ClinVar aggregate classification (germline): Uncertain significance (1 of 4 stars; one submission).

Conditions:
Inborn genetic diseases. Identifiers: MedGen C0950123, MeSH D030342.

Allele frequency attached by ClinVar (database versions not stated): ExAC 0.00001.
gnomAD v4.1: 1 of 1,612,414 alleles (0.000062%); highest among the groups gnomAD compares: Non-Finnish European, 0.000085%; no homozygotes.

Submission:

Ambry Genetics
Classification: Uncertain significance for Inborn genetic diseases. Last evaluated: 2023-09-27. Review status: criteria provided, single submitter. Criteria: Ambry Variant Classification Scheme 2023. Collection method: clinical testing. Allele origin: germline.
Comment: The p.H1574L variant (also known as c.4721A>T), located in coding exon 32 of the LRRK2 gene, results from an A to T substitution at nucleotide position 4721. The histidine at codon 1574 is replaced by leucine, an amino acid with similar properties. This amino acid position is conserved. In addition, this alteration is predicted to be deleterious by in silico analysis. Since supporting evidence is limited at this time, the clinical significance of this alteration remains unclear.

NM_198578.4(LRRK2):c.4721A>T (p.His1574Leu)

Gene: LRRK2 (leucine rich repeat kinase 2; plus strand). Cytogenetic location: 12q12.
Variant type: single nucleotide variant.
Coding change: c.4721A>T on transcript NM_198578.4 (MANE Select); coding-DNA position 4721, A replaced by T.
Protein change: p.His1574Leu; replaces histidine 1574 with leucine.
Molecular consequence: missense variant.
Genome position (GRCh38, 1-based): chr12:40,314,156, A>T. VCF-style: chr12-40314156-A-T. GRCh37 (hg19) VCF-style: chr12-40707958-A-T.
Other names: short protein forms H1574L.
Identifiers: ClinVar variation 3229666 (VCV003229666.1), dbSNP rs771967514, ClinGen allele CA6514257.